The following is an entry in ClinVar:

NM_002485.5(NBN):c.2139_2140delinsCT (p.Arg714Ter)

Gene: NBN (nibrin; minus strand). Cytogenetic location: 8q21.3.
Variant type: Indel.
Coding change: c.2139_2140delinsCT on transcript NM_002485.5 (MANE Select); coding-DNA positions 2139 to 2140, TC replaced by CT.
Protein change: p.Arg714Ter; replaces arginine 714 with a stop codon.
Molecular consequence: nonsense.
Genome position (GRCh38, 1-based): chr8:89,943,297-89,943,298, GA replaced by AG on the plus strand (TC replaced by CT on the coding strand, the reverse complement: NBN is on the minus strand). VCF-style: chr8-89943297-GA-AG. GRCh37 (hg19) VCF-style: chr8-90955525-GA-AG.
Other names: c.1893_1894delinsCT, p.Arg632Ter (NM_001024688.3); short protein forms R714*, R632*.
Identifiers: ClinVar variation 2738710 (VCV002738710.3), dbSNP rs2488191216, ClinGen allele CA2697550005.

ClinVar aggregate classification (germline): Pathogenic (1 of 4 stars; one submission).

Conditions:
Microcephaly, normal intelligence and immunodeficiency (NBS). Also called: BERLIN BREAKAGE SYNDROME; IMMUNODEFICIENCY, MICROCEPHALY, AND CHROMOSOMAL INSTABILITY; SEEMANOVA SYNDROME II; Immunodeficiency, microcephaly with normal intelligence; Ataxia telangiectasia variant V1; Nijmegen breakage syndrome. Identifiers: Orphanet 647, MedGen C0398791, MONDO:0009623, OMIM 251260.

Submission:

Labcorp Genetics (formerly Invitae), Labcorp
Classification: Pathogenic for Microcephaly, normal intelligence and immunodeficiency. Last evaluated: 2023-07-08. Review status: criteria provided, single submitter. Criteria: Invitae Variant Classification Sherloc (09022015). Collection method: clinical testing. Allele origin: germline.
Comment: For these reasons, this variant has been classified as Pathogenic. This variant has not been reported in the literature in individuals affected with NBN-related conditions. Information on the frequency of this variant in the gnomAD database is not available, as this variant may be reported differently in the database. This sequence change creates a premature translational stop signal (p.Arg714*) in the NBN gene. It is expected to result in an absent or disrupted protein product. Loss-of-function variants in NBN are known to be pathogenic (PMID: 9590180, 16415040).

Literature cited by the submitters: PubMed 9590180; PubMed 16415040.